The following is an entry in ClinVar:

ClinVar aggregate classification (germline): Uncertain significance (1 of 4 stars; one submission).

Allele frequency attached by ClinVar (database versions not stated): ExAC 0.00001; gnomAD exomes 0.00001; TOPMed 0.00001; gnomAD 0.00002; ESP Exome Variant Server 0.00008.
gnomAD v4.1: 14 of 1,613,274 alleles (0.00087%); highest among the groups gnomAD compares: South Asian, 0.0044%; 2 homozygotes.

Submission:

Labcorp Genetics (formerly Invitae), Labcorp
Classification: Uncertain significance. Last evaluated: 2023-10-16. Review status: criteria provided, single submitter. Criteria: Invitae Variant Classification Sherloc (09022015). Collection method: clinical testing. Allele origin: germline.
Comment: This sequence change replaces arginine, which is basic and polar, with cysteine, which is neutral and slightly polar, at codon 689 of the TOPORS protein (p.Arg689Cys). This variant is present in population databases (rs369913663, gnomAD 0.007%), including at least one homozygous and/or hemizygous individual. This missense change has been observed in individual(s) with clinical features of TOPORS-related conditions (Invitae). ClinVar contains an entry for this variant (Variation ID: 963857). Experimental studies and prediction algorithms are not available or were not evaluated, and the functional significance of this variant is currently unknown. In summary, the available evidence is currently insufficient to determine the role of this variant in disease. Therefore, it has been classified as a Variant of Uncertain Significance.

NM_005802.5(TOPORS):c.2065C>T (p.Arg689Cys)

Gene: TOPORS (TOP1 binding arginine/serine rich protein, E3 ubiquitin ligase; minus strand). Cytogenetic location: 9p21.1.
Variant type: single nucleotide variant.
Coding change: c.2065C>T on transcript NM_005802.5 (MANE Select); coding-DNA position 2065, C replaced by T.
Protein change: p.Arg689Cys; replaces arginine 689 with cysteine.
Molecular consequence: missense variant.
Genome position (GRCh38, 1-based): chr9:32,542,460, G>A on the plus strand (C>T on the coding strand, the complement: TOPORS is on the minus strand). VCF-style: chr9-32542460-G-A. GRCh37 (hg19) VCF-style: chr9-32542458-G-A.
Other names: c.1870C>T, p.Arg624Cys (NM_001195622.2); short protein forms R689C, R624C.
Identifiers: ClinVar variation 963857 (VCV000963857.9), dbSNP rs369913663, ClinGen allele CA5020422.